The following is an entry in ClinVar:

NM_002225.5(IVD):c.550+6G>A

Gene: IVD (isovaleryl-CoA dehydrogenase; plus strand). Cytogenetic location: 15q15.1.
Variant type: single nucleotide variant.
Coding change: c.550+6G>A on transcript NM_002225.5 (MANE Select); 6 bases into the intron after coding-DNA position 550, G replaced by A.
Molecular consequence: intron variant.
Genome position (GRCh38, 1-based): chr15:40,411,359, G>A. VCF-style: chr15-40411359-G-A. GRCh37 (hg19) VCF-style: chr15-40703558-G-A.
Other names: c.637+6G>A (NM_001354600.3, NM_001354599.3); c.550+6G>A (NM_001354598.3, NM_001354601.3); c.502+6G>A (NM_001354597.3); c.460+6G>A (NM_001159508.3).
Identifiers: ClinVar variation 858356 (VCV000858356.9), dbSNP rs1891063818, ClinGen allele CA916083411.

ClinVar aggregate classification (germline): Uncertain significance (1 of 4 stars; one submission).

Conditions:
Isovaleryl-CoA dehydrogenase deficiency (IVA). Also called: ISOVALERIC ACID CoA DEHYDROGENASE DEFICIENCY; Isovaleric acidemia; Classic Isovaleric Acidemia; IVD DEFICIENCY. Identifiers: Orphanet 33, MedGen C0268575, MONDO:0009475, OMIM 243500.

Submission:

Labcorp Genetics (formerly Invitae), Labcorp
Classification: Uncertain significance for Isovaleryl-CoA dehydrogenase deficiency. Last evaluated: 2022-08-16. Review status: criteria provided, single submitter. Criteria: Invitae Variant Classification Sherloc (09022015). Collection method: clinical testing. Allele origin: germline.
Comment: This variant has not been reported in the literature in individuals affected with IVD-related conditions. This sequence change falls in intron 5 of the IVD gene. It does not directly change the encoded amino acid sequence of the IVD protein. It affects a nucleotide within the consensus splice site. This variant is not present in population databases (gnomAD no frequency). ClinVar contains an entry for this variant (Variation ID: 858356). Variants that disrupt the consensus splice site are a relatively common cause of aberrant splicing (PMID: 17576681, 9536098). Algorithms developed to predict the effect of sequence changes on RNA splicing suggest that this variant is not likely to affect RNA splicing. In summary, the available evidence is currently insufficient to determine the role of this variant in disease. Therefore, it has been classified as a Variant of Uncertain Significance.

Literature cited by the submitters: PubMed 17576681; PubMed 9536098.